The following is an entry in ClinVar:

NM_015278.5(SASH1):c.1777A>G (p.Thr593Ala)

Gene: SASH1 (SAM and SH3 domain containing 1; plus strand). Cytogenetic location: 6q25.1.
Variant type: single nucleotide variant.
Coding change: c.1777A>G on transcript NM_015278.5 (MANE Select); coding-DNA position 1777, A replaced by G.
Protein change: p.Thr593Ala; replaces threonine 593 with alanine.
Molecular consequence: missense variant.
Genome position (GRCh38, 1-based): chr6:148,533,813, A>G. VCF-style: chr6-148533813-A-G. GRCh37 (hg19) VCF-style: chr6-148854949-A-G.
Other names: c.1642A>G, p.Thr548Ala (NM_001346505.2); c.1405A>G, p.Thr469Ala (NM_001346506.2); c.1060A>G, p.Thr354Ala (NM_001346507.2); c.1549A>G, p.Thr517Ala (NM_001346508.2); c.1426A>G, p.Thr476Ala (NM_001346509.2); short protein forms T354A, T469A, T476A, T517A, T548A, T593A.
Identifiers: ClinVar variation 2663622 (VCV002663622.1), dbSNP rs1159181879, ClinGen allele CA365988619.

ClinVar aggregate classification (germline): Uncertain significance (1 of 4 stars; one submission).

Allele frequency attached by ClinVar (database versions not stated): gnomAD exomes below 0.00001; gnomAD 0.00001; TOPMed 0.00001.
gnomAD v4.1: 3 of 1,613,766 alleles (0.00019%); highest among the groups gnomAD compares: African/African-American, 0.004%; no homozygotes.

Submission:

GeneDx
Classification: Uncertain significance. Last evaluated: 2023-05-02. Review status: criteria provided, single submitter. Criteria: GeneDx Variant Classification Process June 2021. Collection method: clinical testing. Allele origin: germline. Affected: yes.
Comment: Not observed at significant frequency in large population cohorts (gnomAD); In silico analysis supports that this missense variant has a deleterious effect on protein structure/function; Has not been previously published as pathogenic or benign to our knowledge